The following is an entry in ClinVar:

NM_053025.4(MYLK):c.710A>G (p.Asn237Ser)

Gene: MYLK (myosin light chain kinase; minus strand). Cytogenetic location: 3q21.1.
Variant type: single nucleotide variant.
Coding change: c.710A>G on transcript NM_053025.4 (MANE Select); coding-DNA position 710, A replaced by G.
Protein change: p.Asn237Ser; replaces asparagine 237 with serine.
Molecular consequence: missense variant.
Genome position (GRCh38, 1-based): chr3:123,737,422, T>C on the plus strand (A>G on the coding strand, the complement: MYLK is on the minus strand). VCF-style: chr3-123737422-T-C. GRCh37 (hg19) VCF-style: chr3-123456269-T-C.
Other names: c.182A>G, p.Asn61Ser (NM_001321309.2); c.710A>G, p.Asn237Ser (NM_053026.4, NM_053027.4, NM_053028.4); short protein forms N237S, N61S.
Identifiers: ClinVar variation 648217 (VCV000648217.8), dbSNP rs1576794625, ClinGen allele CA354240647.

ClinVar aggregate classification (germline): Uncertain significance (1 of 4 stars; one submission).

Conditions:
Aortic aneurysm, familial thoracic 7 (AAT7). Also called: AORTIC DISSECTION, FAMILIAL, WITH OR WITHOUT AORTIC ANEURYSM. Identifiers: MedGen C3151077, MONDO:0013418, OMIM 613780.

Allele frequency attached by ClinVar (database versions not stated): gnomAD exomes below 0.00001.
gnomAD v4.1: 5 of 1,614,128 alleles (0.00031%); highest among the groups gnomAD compares: Non-Finnish European, 0.00042%; no homozygotes.

Submission:

Labcorp Genetics (formerly Invitae), Labcorp
Classification: Uncertain significance for Aortic aneurysm, familial thoracic 7. Last evaluated: 2018-09-04. Review status: criteria provided, single submitter. Criteria: Invitae Variant Classification Sherloc (09022015). Collection method: clinical testing. Allele origin: germline.
Comment: This sequence change replaces asparagine with serine at codon 237 of the MYLK protein (p.Asn237Ser). The asparagine residue is highly conserved and there is a small physicochemical difference between asparagine and serine. This variant is not present in population databases (ExAC no frequency). This variant has not been reported in the literature in individuals with MYLK-related disease. Algorithms developed to predict the effect of missense changes on protein structure and function are either unavailable or do not agree on the potential impact of this missense change (SIFT: "Deleterious"; PolyPhen-2: "Benign"; Align-GVGD: "Class C45"). In summary, the available evidence is currently insufficient to determine the role of this variant in disease. Therefore, it has been classified as a Variant of Uncertain Significance.